The following is an entry in ClinVar:

NM_000535.7(PMS2):c.2279C>A (p.Pro760Gln)

Gene: PMS2 (PMS1 homolog 2, mismatch repair system component; minus strand). Cytogenetic location: 7p22.1.
Variant type: single nucleotide variant.
Coding change: c.2279C>A on transcript NM_000535.7 (MANE Select); coding-DNA position 2279, C replaced by A.
Protein change: p.Pro760Gln; replaces proline 760 with glutamine.
Molecular consequence: missense variant.
Genome position (GRCh38, 1-based): chr7:5,977,754, G>T on the plus strand (C>A on the coding strand, the complement: PMS2 is on the minus strand). VCF-style: chr7-5977754-G-T. GRCh37 (hg19) VCF-style: chr7-6017385-G-T.
Other names: c.1805C>A, p.Pro602Gln (NM_001406902.1, NM_001406901.1); c.1793C>A, p.Pro598Gln (NM_001406903.1); c.1766C>A, p.Pro589Gln (NM_001406904.1, NM_001406905.1); c.1718C>A, p.Pro573Gln (NM_001406907.1, NM_001406906.1, NM_001322010.2); c.1706C>A, p.Pro569Gln (NM_001406908.1, NM_001406909.1, NM_001322013.2); c.1874C>A, p.Pro625Gln (NM_001018040.1, NM_001322003.2, NM_001322004.2 and 12 more transcripts); c.2123C>A, p.Pro708Gln (NM_001322006.2); c.1961C>A, p.Pro654Gln (NM_001322007.2, NM_001322008.2, NM_001406883.1); and 18 more; short protein forms P359Q, P449Q, P503Q, P569Q, P573Q, P625Q, P636Q, P648Q.
Identifiers: ClinVar variation 1788892 (VCV001788892.10), dbSNP rs2128675989, ClinGen allele CA366736194.

ClinVar aggregate classification (germline): Uncertain significance. Review status: criteria provided, multiple submitters, no conflicts (2 of 4 stars). 3 submissions from 3 submitters: Uncertain significance (3). Last evaluated 2025-09-21.

Conditions:
Hereditary cancer-predisposing syndrome. Also called: Hereditary Cancer Syndrome; Hereditary neoplastic syndrome; Tumor predisposition; Neoplastic Syndromes, Hereditary. Identifiers: Orphanet 140162, MedGen C0027672, MeSH D009386, MONDO:0015356.
Hereditary nonpolyposis colorectal neoplasms. Identifiers: MedGen C0009405, MeSH D003123.

Submissions (3):

Labcorp Genetics (formerly Invitae), Labcorp
Classification: Uncertain significance for Hereditary nonpolyposis colorectal neoplasms. Last evaluated: 2025-09-21. Review status: criteria provided, single submitter. Criteria: Invitae Variant Classification Sherloc (09022015). Collection method: clinical testing. Allele origin: germline.
Comment: This sequence change replaces proline, which is neutral and non-polar, with glutamine, which is neutral and polar, at codon 760 of the PMS2 protein (p.Pro760Gln). The frequency data for this variant in the population databases (gnomAD) is considered unreliable due to the presence of homologous sequence, such as pseudogenes or paralogs, in the genome. This variant has not been reported in the literature in individuals affected with PMS2-related conditions. ClinVar contains an entry for this variant (Variation ID: 1788892). Invitae Evidence Modeling incorporating data from in vitro experimental studies (internal data) indicates that this missense variant is not expected to disrupt PMS2 function with a negative predictive value of 95%. In summary, the available evidence is currently insufficient to determine the role of this variant in disease. Therefore, it has been classified as a Variant of Uncertain Significance.

Ambry Genetics
Classification: Uncertain significance for Hereditary cancer-predisposing syndrome. Last evaluated: 2025-08-04. Review status: criteria provided, single submitter. Criteria: Ambry Variant Classification Scheme 2023. Collection method: clinical testing. Allele origin: germline.
Comment: The p.P760Q variant (also known as c.2279C>A), located in coding exon 14 of the PMS2 gene, results from a C to A substitution at nucleotide position 2279. The proline at codon 760 is replaced by glutamine, an amino acid with similar properties. This amino acid position is well conserved in available vertebrate species. In addition, this alteration is predicted to be tolerated by in silico analysis. Since supporting evidence is limited at this time, the clinical significance of this alteration remains unclear.

Color Diagnostics, LLC DBA Color Health
Classification: Uncertain significance for Hereditary cancer-predisposing syndrome. Last evaluated: 2024-06-24. Review status: criteria provided, single submitter. Criteria: ACMG Guidelines, 2015. Collection method: clinical testing. Allele origin: germline.
Comment: This missense variant replaces proline with glutamine at codon 760 of the PMS2 protein. Computational prediction suggests that this variant may not impact protein structure and function (internally defined REVEL score threshold <= 0.5, PMID: 27666373). To our knowledge, functional studies have not been reported for this variant. This variant has not been reported in individuals affected with PMS2-related disorders in the literature. This variant has not been identified in the general population by the Genome Aggregation Database (gnomAD). The available evidence is insufficient to determine the role of this variant in disease conclusively. Therefore, this variant is classified as a Variant of Uncertain Significance.